The following is an entry in ClinVar:

ClinVar aggregate classification (germline): Uncertain significance (1 of 4 stars; one submission).

Submission:

Labcorp Genetics (formerly Invitae), Labcorp
Classification: Uncertain significance. Last evaluated: 2022-02-15. Review status: criteria provided, single submitter. Criteria: Invitae Variant Classification Sherloc (09022015). Collection method: clinical testing. Allele origin: germline.
Comment: This variant, c.553_555del, results in the deletion of 1 amino acid(s) of the RSPO2 protein (p.Ile185del), but otherwise preserves the integrity of the reading frame. In summary, the available evidence is currently insufficient to determine the role of this variant in disease. Therefore, it has been classified as a Variant of Uncertain Significance. Experimental studies and prediction algorithms are not available or were not evaluated, and the functional significance of this variant is currently unknown. This variant has not been reported in the literature in individuals affected with RSPO2-related conditions. This variant is present in population databases (no rsID available, gnomAD 0.0009%).

NM_178565.5(RSPO2):c.553_555del (p.Ile185del)

Gene: RSPO2 (R-spondin 2; minus strand). Cytogenetic location: 8q23.1.
Variant type: Deletion.
Coding change: c.553_555del on transcript NM_178565.5 (MANE Select); coding-DNA positions 553 to 555, 3 bases deleted (ATA; older notation c.553_555delATA).
Protein change: p.Ile185del; deletes isoleucine 185.
Molecular consequence: inframe deletion.
Genome position (GRCh38, 1-based): chr8:107,958,141-107,958,143, TAT deleted on the plus strand (ATA on the coding strand, the reverse complement: RSPO2 is on the minus strand); deleting any 3 consecutive bases within chr8:107,958,141-107,958,144 gives the same sequence; the c. name uses the placement nearest the transcript's 3' end. VCF-style (leftmost placement, unchanged base first): chr8-107958140-GTAT-G. GRCh37 (hg19) VCF-style: chr8-108970368-GTAT-G.
Other names: c.361_363del, p.Ile121del (NM_001282863.2); c.352_354del, p.Ile118del (NM_001317942.2); short protein forms I185del, I118del, I121del.
Identifiers: ClinVar variation 1986352 (VCV001986352.4), dbSNP rs1563538970, ClinGen allele CA584230103.